The following is an entry in ClinVar:

ClinVar aggregate classification (germline): Pathogenic. Review status: criteria provided, multiple submitters, no conflicts (2 of 4 stars). 3 submissions from 3 submitters: Pathogenic (2). 1 of the submissions does not count toward it. Last evaluated 2025-02-20.

Conditions:
Tuberous sclerosis syndrome (TSC). Also called: Tuberous Sclerosis Complex; Tuberous sclerosis. Identifiers: Orphanet 805, MedGen C0041341, MONDO:0001734.
Tuberous sclerosis 2 (TSC2). Identifiers: Orphanet 805, MedGen C1860707, MONDO:0013199, OMIM 613254.

Submissions (3):

Labcorp Genetics (formerly Invitae), Labcorp
Classification: Pathogenic for Tuberous sclerosis 2. Last evaluated: 2025-02-20. Review status: criteria provided, single submitter. Criteria: Invitae Variant Classification Sherloc (09022015). Collection method: clinical testing. Allele origin: germline.
Comment: This sequence change creates a premature translational stop signal (p.Gly1439Alafs*37) in the TSC2 gene. It is expected to result in an absent or disrupted protein product. Loss-of-function variants in TSC2 are known to be pathogenic (PMID: 10205261, 17304050). This variant is not present in population databases (gnomAD no frequency). This variant has not been reported in the literature in individuals affected with TSC2-related conditions. ClinVar contains an entry for this variant (Variation ID: 65273). For these reasons, this variant has been classified as Pathogenic.

GeneDx
Classification: Pathogenic. Last evaluated: 2015-04-27. Review status: criteria provided, single submitter. Criteria: GeneDx Variant Classification (06012015). Collection method: clinical testing. Allele origin: germline. Affected: yes.
Comment: The c.4316delG variant in the TSC2 gene has been reported previously in association with tuberoussclerosis (TSC2 LOVD). The deletion causes a frameshift starting with codon Glycine 1439, changes thisamino acid to a Alanine residue and creates a premature Stop codon at position 37 of thenew reading frame, denoted p.Gly1439AlafsX37. This deletion is predicted to cause loss of normal protein function either through protein truncation or nonsense-mediated mRNA decay. Therefore, we interpret this variant as pathogenic.

Tuberous sclerosis database (TSC2)
No classification provided. Condition: TSC. Review status: no classification provided. Criteria: Tuberous Sclerosis Database Assertion Criteria 2015. Collection method: curation. Allele origin: germline. Affected: yes. Not counted in ClinVar's aggregate classification.

Literature cited by the submitters: PubMed 10205261 (cited by Labcorp Genetics (formerly Invitae), Labcorp); PubMed 17304050 (cited by Labcorp Genetics (formerly Invitae), Labcorp).

NM_000548.5(TSC2):c.4316del (p.Gly1439fs)

Gene: TSC2 (TSC complex subunit 2; plus strand). Cytogenetic location: 16p13.3.
Variant type: Deletion.
Coding change: c.4316del on transcript NM_000548.5 (MANE Select); coding-DNA position 4316, one base deleted (G; older notation c.4316delG).
Protein change: p.Gly1439fs; shifts the reading frame from glycine 1439.
Molecular consequence: frameshift variant.
Genome position (GRCh38, 1-based): chr16:2,084,538, G deleted; the last of 4 consecutive G bases (chr16:2,084,535-2,084,538); deleting any one gives the same sequence. VCF-style (leftmost placement, unchanged base first): chr16-2084534-CG-C. GRCh37 (hg19) VCF-style: chr16-2134535-CG-C.
Other names: c.4115del, p.Gly1372fs (NM_001077183.3); c.4247del, p.Gly1416fs (NM_001114382.3); c.4007del, p.Gly1336fs (NM_001318827.2); c.3971del, p.Gly1324fs (NM_001318829.2); c.3584del, p.Gly1195fs (NM_001318831.2); c.4148del, p.Gly1383fs (NM_001318832.2); c.4118del, p.Gly1373fs (NM_001363528.2); c.4184del, p.Gly1395fs (NM_001370404.1); and 1 more; short protein forms G1383fs, G1396fs, G1195fs, G1336fs, G1372fs, G1416fs, G1439fs, G1395fs.
Identifiers: ClinVar variation 65273 (VCV000065273.8), dbSNP rs137853988, ClinGen allele CA020261.